The following is an entry in ClinVar:

ClinVar aggregate classification (germline): Uncertain significance (1 of 4 stars; one submission).

Conditions:
Cystic fibrosis (CF). Also called: MUCOVISCIDOSIS. Identifiers: Orphanet 586, MedGen C0010674, MONDO:0009061, OMIM 219700. Disease mechanism: loss of function.

Submission:

Ambry Genetics
Classification: Uncertain significance for Cystic fibrosis. Last evaluated: 2023-11-03. Review status: criteria provided, single submitter. Criteria: Ambry Variant Classification Scheme 2023. Collection method: clinical testing. Allele origin: germline.
Comment: The p.I586T variant (also known as c.1757T>C), located in coding exon 13 of the CFTR gene, results from a T to C substitution at nucleotide position 1757. The isoleucine at codon 586 is replaced by threonine, an amino acid with similar properties. This amino acid position is conserved. In addition, this alteration is predicted to be deleterious by in silico analysis. Since supporting evidence is limited at this time, the clinical significance of this alteration remains unclear.

NM_000492.4(CFTR):c.1757T>C (p.Ile586Thr)

Gene: CFTR (CF transmembrane conductance regulator; plus strand). Cytogenetic location: 7q31.2.
Variant type: single nucleotide variant.
Coding change: c.1757T>C on transcript NM_000492.4 (MANE Select); coding-DNA position 1757, T replaced by C.
Protein change: p.Ile586Thr; replaces isoleucine 586 with threonine.
Molecular consequence: missense variant.
Genome position (GRCh38, 1-based): chr7:117,590,430, T>C. VCF-style: chr7-117590430-T-C. GRCh37 (hg19) VCF-style: chr7-117230484-T-C.
Other names: short protein forms I586T.
Identifiers: ClinVar variation 3231833 (VCV003231833.1), dbSNP rs2485107451, ClinGen allele CA368977289.